The following is an entry in ClinVar:

ClinVar aggregate classification (germline): Uncertain significance (1 of 4 stars; one submission).

Submission:

Labcorp Genetics (formerly Invitae), Labcorp
Classification: Uncertain significance. Last evaluated: 2025-06-16. Review status: criteria provided, single submitter. Criteria: Invitae Variant Classification Sherloc (09022015). Collection method: clinical testing. Allele origin: germline.
Comment: This sequence change replaces alanine, which is neutral and non-polar, with serine, which is neutral and polar, at codon 427 of the POC1B protein (p.Ala427Ser). This variant is not present in population databases (gnomAD no frequency). This variant has not been reported in the literature in individuals affected with POC1B-related conditions. ClinVar contains an entry for this variant (Variation ID: 1500764). Invitae Evidence Modeling of protein sequence and biophysical properties (such as structural, functional, and spatial information, amino acid conservation, physicochemical variation, residue mobility, and thermodynamic stability) indicates that this missense variant is not expected to disrupt POC1B protein function with a negative predictive value of 80%. In summary, the available evidence is currently insufficient to determine the role of this variant in disease. Therefore, it has been classified as a Variant of Uncertain Significance.

NM_172240.3(POC1B):c.1279G>T (p.Ala427Ser)

Genes: POC1B (POC1 centriolar protein B; minus strand), POC1B-DUSP6 (POC1B-DUSP6 readthrough; minus strand). Cytogenetic location: 12q21.33.
Variant type: single nucleotide variant.
Coding change: c.1279G>T on transcript NM_172240.3 (MANE Select); coding-DNA position 1279, G replaced by T.
Protein change: p.Ala427Ser; replaces alanine 427 with serine.
Molecular consequence: missense variant. On other transcripts: non-coding transcript variant (2).
Genome position (GRCh38, 1-based): chr12:89,425,214, C>A on the plus strand (G>T on the coding strand, the complement: POC1B is on the minus strand). VCF-style: chr12-89425214-C-A. GRCh37 (hg19) VCF-style: chr12-89818991-C-A.
Other names: c.1153G>T, p.Ala385Ser (NM_001199777.2); short protein forms A385S, A427S.
Identifiers: ClinVar variation 1500764 (VCV001500764.6), dbSNP rs777371599, ClinGen allele CA385985242.
Genomic context (GRCh38, chr12:89,425,214, plus strand): 5'-TGCCCACCTGTGTCAAAACATTGAGTTGTTCCATAATATGCTCTAAAGCATCAGTCACAG[C>A]GAGAGGTATGCTCCTTTGACTTTCACAGGGGAGGTCACTCATGTCTTCTGTTTTCTTTTT-3'
Protein context (NP_758440.1, residues 417-437): PCESQRSIPL[Ala427Ser]VTDALEHIME